The following is an entry in ClinVar:

ClinVar aggregate classification (germline): Uncertain significance (1 of 4 stars; one submission).

Conditions:
Inborn genetic diseases. Identifiers: MedGen C0950123, MeSH D030342.

Submission:

Ambry Genetics
Classification: Uncertain significance for Inborn genetic diseases. Last evaluated: 2025-01-18. Review status: criteria provided, single submitter. Criteria: Ambry Variant Classification Scheme 2023. Collection method: clinical testing. Allele origin: germline.
Comment: The p.S604N variant (also known as c.1811G>A), located in coding exon 12 of the BMPR2 gene, results from a G to A substitution at nucleotide position 1811. The serine at codon 604 is replaced by asparagine, an amino acid with highly similar properties. This amino acid position is conserved. In addition, this alteration is predicted to be tolerated by in silico analysis. Based on the available evidence, the clinical significance of this variant remains unclear.

NM_001204.7(BMPR2):c.1811G>A (p.Ser604Asn)

Gene: BMPR2 (bone morphogenetic protein receptor type 2; plus strand). Cytogenetic location: 2q33.2.
Variant type: single nucleotide variant.
Coding change: c.1811G>A on transcript NM_001204.7 (MANE Select); coding-DNA position 1811, G replaced by A.
Protein change: p.Ser604Asn; replaces serine 604 with asparagine.
Molecular consequence: missense variant.
Genome position (GRCh38, 1-based): chr2:202,555,476, G>A. VCF-style: chr2-202555476-G-A. GRCh37 (hg19) VCF-style: chr2-203420199-G-A.
Other names: short protein forms S604N.
Identifiers: ClinVar variation 3824846 (VCV003824846.1).